The following is an entry in ClinVar:

NM_001853.4(COL9A3):c.110del (p.Pro37fs)

Gene: COL9A3 (collagen type IX alpha 3 chain; plus strand). Cytogenetic location: 20q13.33.
Variant type: Deletion.
Coding change: c.110del on transcript NM_001853.4 (MANE Select); coding-DNA position 110, one base deleted (C; older notation c.110delC).
Protein change: p.Pro37fs; shifts the reading frame from proline 37.
Molecular consequence: frameshift variant.
Genome position (GRCh38, 1-based): chr20:62,817,598, C deleted; the last of 6 consecutive C bases (chr20:62,817,593-62,817,598); deleting any one gives the same sequence. VCF-style (leftmost placement, unchanged base first): chr20-62817592-GC-G. GRCh37 (hg19) VCF-style: chr20-61448944-GC-G.
Other names: short protein forms P37fs.
Identifiers: ClinVar variation 4945644 (VCV004945644.3).
Genomic context (GRCh38, chr20:62,817,592, plus strand): 5'-CACCTGCGCTCCTTAATGAGTTTTCTCCGTTTCAGAGAGTGGGACTCCCCGGCCCCCCCG[GC>G]CCCCCAGGGCCGCCCGGGAAGCCCGGCCAGGACGGCATTGACGTGAGTTTGGGGGTGGGG-3'

ClinVar aggregate classification (germline): Likely pathogenic. Review status: criteria provided, multiple submitters, no conflicts (2 of 4 stars). 2 submissions from 2 submitters: Likely pathogenic (2). Last evaluated 2020-10-06.

Conditions:
Stickler syndrome, type 6. Also called: Stickler syndrome, type VI; Stickler syndrome, IIa 6. Identifiers: MedGen C5774207, MONDO:0031047, OMIM 620022.
COL9A3-related disorders.

Submissions (2):

Blueprint Genetics
Classification: Likely pathogenic for COL9A3-related disorders. Last evaluated: 2020-10-06. Review status: criteria provided, single submitter. Criteria: ACMG Guidelines, 2015. Collection method: clinical testing. Allele origin: germline. Affected: yes. Observed: 1 variant allele.

Juno Genomics, Hangzhou Juno Genomics, Inc
Classification: Likely pathogenic for Stickler syndrome, type 6. Review status: criteria provided, single submitter. Criteria: ACMG Guidelines, 2015. Collection method: clinical testing. Allele origin: germline.
Comment: Null variant in a gene where loss of function (LOF) is a known mechanism of disease.;Absent from controls (or at extremely low frequency if recessive) in Genome Aggregation Database.